The following is an entry in ClinVar:

ClinVar aggregate classification (germline): Benign (1 of 4 stars; one submission).

Conditions:
Lynch syndrome 4 (LYNCH4). Also called: Colorectal cancer, hereditary nonpolyposis, type 4; Hereditary non-polyposis colorectal cancer, type 4. Identifiers: Orphanet 144, MedGen C1838333, MONDO:0013699, OMIM 614337. Disease mechanism: loss of function.

Submission:

Myriad Genetics, Inc.
Classification: Benign for Lynch syndrome 4. Last evaluated: 2025-01-30. Review status: criteria provided, single submitter. Criteria: Myriad Autosomal Dominant, Autosomal Recessive and X-Linked Classification Criteria (2023). Collection method: clinical testing. Allele origin: unknown.
Comment: This variant is considered benign. This variant is a silent/synonymous amino acid change and it is not expected to impact splicing.

NM_000535.7(PMS2):c.1527A>T (p.Pro509=)

Gene: PMS2 (PMS1 homolog 2, mismatch repair system component; minus strand). Cytogenetic location: 7p22.1.
Variant type: single nucleotide variant.
Coding change: c.1527A>T on transcript NM_000535.7 (MANE Select); coding-DNA position 1527, A replaced by T.
Protein change: p.Pro509=; no amino-acid change (proline 509 retained).
Molecular consequence: synonymous variant. On other transcripts: non-coding transcript variant (1), intron variant (1).
Genome position (GRCh38, 1-based): chr7:5,987,238, T>A on the plus strand (A>T on the coding strand, the complement: PMS2 is on the minus strand). VCF-style: chr7-5987238-T-A. GRCh37 (hg19) VCF-style: chr7-6026869-T-A.
Other names: c.1122A>T, p.Pro374= (NM_001322003.2, NM_001322004.2, NM_001322005.2 and 16 more transcripts); c.1371A>T, p.Pro457= (NM_001322006.2, NM_001406870.1); c.1209A>T, p.Pro403= (NM_001322007.2, NM_001322008.2, NM_001406876.1 and 2 more transcripts); c.966A>T, p.Pro322= (NM_001322010.2, NM_001406906.1, NM_001406907.1); c.594A>T, p.Pro198= (NM_001322011.2, NM_001322012.2); c.954A>T, p.Pro318= (NM_001322013.2, NM_001406909.1); c.1527A>T, p.Pro509= (NM_001322014.2, NM_001406871.1, NM_001406872.1); c.1218A>T, p.Pro406= (NM_001322015.2, NM_001406875.1, NM_001406877.1 and 5 more transcripts); and 13 more.
Identifiers: ClinVar variation 3904239 (VCV003904239.1).